The following is an entry in ClinVar:

ClinVar aggregate classification (germline): Uncertain significance. Review status: criteria provided, multiple submitters, no conflicts (2 of 4 stars). 2 submissions from 2 submitters: Uncertain significance (2). Last evaluated 2025-01-24.

Conditions:
Sphingolipid activator protein 1 deficiency. Also called: Saposin B Deficiency; Metachromatic leukodystrophy due to saposin B deficiency; METACHROMATIC LEUKODYSTROPHY DUE TO CEREBROSIDE SULFATASE ACTIVATOR DEFICIENCY. Identifiers: Orphanet 512, MedGen C0268262, MONDO:0009590, OMIM 249900.
Inborn genetic diseases. Identifiers: MedGen C0950123, MeSH D030342.

Allele frequency attached by ClinVar (database versions not stated): gnomAD 0.00003; ExAC 0.00006; gnomAD exomes 0.00008; 1000 Genomes Project 30x 0.00016; 1000 Genomes Project 0.00020.

Submissions (2):

Ambry Genetics
Classification: Uncertain significance for Inborn genetic diseases. Last evaluated: 2025-01-24. Review status: criteria provided, single submitter. Criteria: Ambry Variant Classification Scheme 2023. Collection method: clinical testing. Allele origin: germline.

Labcorp Genetics (formerly Invitae), Labcorp
Classification: Uncertain significance for Sphingolipid activator protein 1 deficiency. Last evaluated: 2022-09-07. Review status: criteria provided, single submitter. Criteria: Invitae Variant Classification Sherloc (09022015). Collection method: clinical testing. Allele origin: germline.
Comment: This sequence change replaces histidine, which is basic and polar, with tyrosine, which is neutral and polar, at codon 47 of the PSAP protein (p.His47Tyr). This variant is present in population databases (rs568874696, gnomAD 0.07%). This variant has not been reported in the literature in individuals affected with PSAP-related conditions. Algorithms developed to predict the effect of missense changes on protein structure and function are either unavailable or do not agree on the potential impact of this missense change (SIFT: "Not Available"; PolyPhen-2: "Possibly Damaging"; Align-GVGD: "Not Available"). In summary, the available evidence is currently insufficient to determine the role of this variant in disease. Therefore, it has been classified as a Variant of Uncertain Significance.

NM_002778.4(PSAP):c.139C>T (p.His47Tyr)

Gene: PSAP (prosaposin; minus strand). Cytogenetic location: 10q22.1.
Variant type: single nucleotide variant.
Coding change: c.139C>T on transcript NM_002778.4 (MANE Select); coding-DNA position 139, C replaced by T.
Protein change: p.His47Tyr; replaces histidine 47 with tyrosine.
Molecular consequence: missense variant.
Genome position (GRCh38, 1-based): chr10:71,834,407, G>A on the plus strand (C>T on the coding strand, the complement: PSAP is on the minus strand). VCF-style: chr10-71834407-G-A. GRCh37 (hg19) VCF-style: chr10-73594164-G-A.
Other names: c.139C>T, p.His47Tyr (NM_001042465.3, NM_001042466.3); c.139C>T (NM_002778.2); short protein forms H47Y.
Identifiers: ClinVar variation 1915563 (VCV001915563.3), dbSNP rs568874696, ClinGen allele CA5547887.
Genomic context (GRCh38, chr10:71,834,407, plus strand): 5'-GGGACTGGAGGGCAGCGGCACTCACCACTGTTGGCTTGTTCCAAACGGTCTGCAGGCAGT[G>A]CTTCACTGCCCCGCAGTCGGACGCCGTCTTCACATTCTGGCACCACACTGCCGAGCCCCT-3'
Protein context (NP_002769.1, residues 37-57): KTASDCGAVK[His47Tyr]CLQTVWNKPT